The following is an entry in ClinVar:

ClinVar aggregate classification (germline): Uncertain significance (1 of 4 stars; one submission).

Allele frequency attached by ClinVar (database versions not stated): TOPMed below 0.00001; gnomAD 0.00001 and 0.00002; gnomAD exomes 0.00001.
gnomAD v4.1: 11 of 1,600,354 alleles (0.00069%); highest among the groups gnomAD compares: Middle Eastern, 0.036%; no homozygotes.

Submission:

Labcorp Genetics (formerly Invitae), Labcorp
Classification: Uncertain significance. Last evaluated: 2022-06-28. Review status: criteria provided, single submitter. Criteria: Invitae Variant Classification Sherloc (09022015). Collection method: clinical testing. Allele origin: germline.
Comment: In summary, the available evidence is currently insufficient to determine the role of this variant in disease. Therefore, it has been classified as a Variant of Uncertain Significance. Variants that disrupt the consensus splice site are a relatively common cause of aberrant splicing (PMID: 17576681, 9536098). Algorithms developed to predict the effect of sequence changes on RNA splicing suggest that this variant may disrupt the consensus splice site. This variant has not been reported in the literature in individuals affected with COQ7-related conditions. This variant is not present in population databases (gnomAD no frequency). This sequence change falls in intron 1 of the COQ7 gene. It does not directly change the encoded amino acid sequence of the COQ7 protein. It affects a nucleotide within the consensus splice site.

Literature cited by the submitters: PubMed 17576681; PubMed 9536098.

NM_016138.5(COQ7):c.73+5A>G

Genes: COQ7 (coenzyme Q7, hydroxylase; plus strand), LOC130058587 (ATAC-STARR-seq lymphoblastoid silent region 7240; plus strand). Cytogenetic location: 16p12.3.
Variant type: single nucleotide variant.
Coding change: c.73+5A>G on transcript NM_016138.5 (MANE Select); 5 bases into the intron after coding-DNA position 73, A replaced by G.
Molecular consequence: intron variant. On other transcripts: 5 prime UTR variant (1).
Genome position (GRCh38, 1-based): chr16:19,067,742, A>G. VCF-style: chr16-19067742-A-G. GRCh37 (hg19) VCF-style: chr16-19079064-A-G.
Other names: c.-130A>G (NM_001370494.1); c.73+5A>G (NM_001370490.1).
Identifiers: ClinVar variation 1388541 (VCV001388541.6), dbSNP rs1233355136, ClinGen allele CA718815320.